The following is an entry in ClinVar:

ClinVar aggregate classification (germline): Uncertain significance (1 of 4 stars; one submission).

Conditions:
Familial thoracic aortic aneurysm and aortic dissection (TAAD). Also called: Thoracic aortic aneurysms and dissections. Identifiers: Orphanet 91387, MedGen C4707243, MONDO:0019625.

Allele frequency attached by ClinVar (database versions not stated): gnomAD exomes below 0.00001; ExAC 0.00001.
gnomAD v4.1: 1 of 1,614,202 alleles (0.000062%); highest among the groups gnomAD compares: Admixed American, 0.0017%; no homozygotes.

Submission:

Ambry Genetics
Classification: Uncertain significance for Familial thoracic aortic aneurysm and aortic dissection. Last evaluated: 2022-09-13. Review status: criteria provided, single submitter. Criteria: Ambry Variant Classification Scheme 2023. Collection method: clinical testing. Allele origin: germline.
Comment: The p.E1426Q variant (also known as c.4276G>C), located in coding exon 21 of the MYLK gene, results from a G to C substitution at nucleotide position 4276. The glutamic acid at codon 1426 is replaced by glutamine, an amino acid with highly similar properties. This amino acid position is conserved. In addition, this alteration is predicted to be tolerated by in silico analysis. Since supporting evidence is limited at this time, the clinical significance of this alteration remains unclear.

NM_053025.4(MYLK):c.4276G>C (p.Glu1426Gln)

Gene: MYLK (myosin light chain kinase; minus strand). Cytogenetic location: 3q21.1.
Variant type: single nucleotide variant.
Coding change: c.4276G>C on transcript NM_053025.4 (MANE Select); coding-DNA position 4276, G replaced by C.
Protein change: p.Glu1426Gln; replaces glutamic acid 1426 with glutamine.
Molecular consequence: missense variant.
Genome position (GRCh38, 1-based): chr3:123,657,138, C>G on the plus strand (G>C on the coding strand, the complement: MYLK is on the minus strand). VCF-style: chr3-123657138-C-G. GRCh37 (hg19) VCF-style: chr3-123375985-C-G.
Other names: c.3748G>C, p.Glu1250Gln (NM_001321309.2); c.4069G>C, p.Glu1357Gln (NM_053026.4, NM_053028.4); c.4276G>C, p.Glu1426Gln (NM_053027.4); short protein forms E1426Q, E1250Q, E1357Q.
Identifiers: ClinVar variation 1739294 (VCV001739294.2), dbSNP rs773390077, ClinGen allele CA071168.